The following is an entry in ClinVar:

ClinVar aggregate classification (germline): Uncertain significance (1 of 4 stars; one submission).

Conditions:
Hereditary cancer-predisposing syndrome. Also called: Neoplastic Syndromes, Hereditary; Hereditary neoplastic syndrome; Tumor predisposition; Hereditary Cancer Syndrome. Identifiers: Orphanet 140162, MedGen C0027672, MeSH D009386, MONDO:0015356.

Submission:

Ambry Genetics
Classification: Uncertain significance for Hereditary cancer-predisposing syndrome. Last evaluated: 2026-01-18. Review status: criteria provided, single submitter. Criteria: Ambry Variant Classification Scheme 2023. Collection method: clinical testing. Allele origin: germline.
Comment: The p.P217T variant (also known as c.649C>A), located in coding exon 6 of the FANCC gene, results from a C to A substitution at nucleotide position 649. The proline at codon 217 is replaced by threonine, an amino acid with highly similar properties. This amino acid position is conserved. In addition, this alteration is predicted to be tolerated by in silico analysis. Based on the available evidence, the clinical significance of this variant remains unclear.

NM_000136.3(FANCC):c.649C>A (p.Pro217Thr)

Genes: AOPEP (aminopeptidase O (putative); plus strand), FANCC (FA complementation group C; minus strand). Cytogenetic location: 9q22.32.
Variant type: single nucleotide variant.
Coding change: c.649C>A on transcript NM_000136.3 (MANE Select); coding-DNA position 649, C replaced by A.
Protein change: p.Pro217Thr; replaces proline 217 with threonine.
Molecular consequence: missense variant.
Genome position (GRCh38, 1-based): chr9:95,149,960, G>T on the plus strand (C>A on the coding strand, the complement: FANCC is on the minus strand). VCF-style: chr9-95149960-G-T. GRCh37 (hg19) VCF-style: chr9-97912242-G-T.
Other names: c.649C>A, p.Pro217Thr (NM_001243743.2, NM_001243744.2); short protein forms P217T.
Identifiers: ClinVar variation 4824314 (VCV004824314.1).